The following is an entry in ClinVar:

NM_005138.3(SCO2):c.785G>A (p.Arg262His)

Genes: NCAPH2 (non-SMC condensin II complex subunit H2; plus strand), SCO2 (synthesis of cytochrome C oxidase 2; minus strand). Cytogenetic location: 22q13.33.
Variant type: single nucleotide variant.
Coding change: c.785G>A on transcript NM_005138.3 (MANE Select); coding-DNA position 785, G replaced by A.
Protein change: p.Arg262His; replaces arginine 262 with histidine.
Molecular consequence: missense variant. On other transcripts: 3 prime UTR variant (2).
Genome position (GRCh38, 1-based): chr22:50,523,627, C>T on the plus strand (G>A on the coding strand, the complement: SCO2 is on the minus strand). VCF-style: chr22-50523627-C-T. GRCh37 (hg19) VCF-style: chr22-50962056-C-T.
Other names: c.*252C>T (NM_001185011.2, NM_152299.4); c.785G>A, p.Arg262His (NM_001169109.2, NM_001169110.1, NM_001169111.2); short protein forms R262H.
Identifiers: ClinVar variation 1300717 (VCV001300717.4), dbSNP rs765618296, ClinGen allele CA10321104.
Genomic context (GRCh38, chr22:50,523,627, plus strand): 5'-ATTAAACGCAGCCCGTTTAATGATGGGGCCCAGACTGCAGTGGCTCAAGACAGGACACTG[C>T]GGAAAGCCGCCATGTGCCGCCGCACACTGTCTGAGATCTGCTCAGCCGATCTGCTCCGGC-3'
Protein context (NP_005129.2, residues 252-266): DSVRRHMAAF[Arg262His]SVLS

ClinVar aggregate classification (germline): Uncertain significance. Review status: criteria provided, multiple submitters, no conflicts (2 of 4 stars). 3 submissions from 3 submitters: Uncertain significance (3). Last evaluated 2025-07-02.

Conditions:
Inborn genetic diseases. Identifiers: MedGen C0950123, MeSH D030342.

Allele frequency attached by ClinVar (database versions not stated): ExAC 0.00001; gnomAD exomes 0.00002; gnomAD 0.00003; TOPMed 0.00003.
gnomAD v4.1: 29 of 1,613,418 alleles (0.0018%); highest among the groups gnomAD compares: South Asian, 0.0077%; no homozygotes.

Submissions (3):

Ambry Genetics
Classification: Uncertain significance for Inborn genetic diseases. Last evaluated: 2025-07-02. Review status: criteria provided, single submitter. Criteria: Ambry Variant Classification Scheme 2023. Collection method: clinical testing. Allele origin: germline.

Labcorp Genetics (formerly Invitae), Labcorp
Classification: Uncertain significance. Last evaluated: 2022-08-19. Review status: criteria provided, single submitter. Criteria: Invitae Variant Classification Sherloc (09022015). Collection method: clinical testing. Allele origin: germline.
Comment: This sequence change replaces arginine, which is basic and polar, with histidine, which is basic and polar, at codon 262 of the SCO2 protein (p.Arg262His). This variant is present in population databases (rs765618296, gnomAD 0.003%). This variant has not been reported in the literature in individuals affected with SCO2-related conditions. ClinVar contains an entry for this variant (Variation ID: 1300717). Algorithms developed to predict the effect of missense changes on protein structure and function output the following: SIFT: "Deleterious"; PolyPhen-2: "Benign"; Align-GVGD: "Class C0". The histidine amino acid residue is found in multiple mammalian species, which suggests that this missense change does not adversely affect protein function. In summary, the available evidence is currently insufficient to determine the role of this variant in disease. Therefore, it has been classified as a Variant of Uncertain Significance.

GeneDx
Classification: Uncertain significance. Last evaluated: 2021-10-14. Review status: criteria provided, single submitter. Criteria: GeneDx Variant Classification Process June 2021. Collection method: clinical testing. Allele origin: germline. Affected: yes.
Comment: Not observed at significant frequency in large population cohorts (Lek et al., 2016); In silico analysis supports that this missense variant does not alter protein structure/function; Has not been previously published as pathogenic or benign to our knowledge